The following is an entry in ClinVar:

ClinVar aggregate classification (germline): Benign. Review status: criteria provided, multiple submitters, no conflicts (2 of 4 stars). 5 submissions from 4 submitters: Benign (5). Last evaluated 2026-04-14.

Conditions:
Progressive familial intrahepatic cholestasis type 1. Also called: Severe ATP8B1 Deficiency (Progressive Familial Intrahepatic Cholestasis Type 1 [PFIC1]); BYLER DISEASE; Byler's disease. Identifiers: Orphanet 79306, MedGen C4551898, MONDO:0008892, OMIM 211600.
Familial intrahepatic cholestasis. Identifiers: Orphanet 284385, MedGen CN296401, MONDO:0017290.
Cholestasis, intrahepatic, of pregnancy, 1 (ICP1). Also called: CHOLESTASIS, PREGNANCY-RELATED, 1. Identifiers: Orphanet 69665, MedGen C3549845, MONDO:0007829, OMIM 147480.

Allele frequency attached by ClinVar (database versions not stated): ESP Exome Variant Server 0.98858; TOPMed 0.99069; gnomAD 0.99086 and 0.99162; 1000 Genomes Project 0.99261; 1000 Genomes Project 30x 0.99266; ExAC 0.99709; gnomAD exomes 0.99781 and 0.99921.
gnomAD v4.1: 1,432,536 of 1,434,866 alleles (100%); highest among the groups gnomAD compares: East Asian, 100%; 715,143 homozygotes.

Submissions (5):

Genomenon, Inc
Classification: Benign for Familial intrahepatic cholestasis. Last evaluated: 2026-04-14. Review status: criteria provided, single submitter. Criteria: Genomenon Sequence Variant Interpretation Standards - Updated. Collection method: curation. Allele origin: germline. Affected: no.
Comment: ATP8B1 c.699-52C>T is an intronic variant located in intron 8. This variant is present at high allele frequency in population databases. In conclusion, we classify ATP8B1 c.699-52C>T as a benign variant.

Genome-Nilou Lab
Classification: Benign for Cholestasis, intrahepatic, of pregnancy, 1. Last evaluated: 2021-07-14. Review status: criteria provided, single submitter. Criteria: ACMG Guidelines, 2015. Collection method: clinical testing. Allele origin: germline. Affected: no.

Genome-Nilou Lab
Classification: Benign for Progressive familial intrahepatic cholestasis type 1. Last evaluated: 2021-07-14. Review status: criteria provided, single submitter. Criteria: ACMG Guidelines, 2015. Collection method: clinical testing. Allele origin: germline. Affected: no.

GeneDx
Classification: Benign. Last evaluated: 2018-06-29. Review status: criteria provided, single submitter. Criteria: GeneDx Variant Classification Process June 2021. Collection method: clinical testing. Allele origin: germline. Affected: yes.

Breakthrough Genomics
Classification: Benign. Review status: criteria provided, single submitter. Criteria: ACMG Guidelines, 2015. Collection method: not provided. Allele origin: germline. Inheritance: Autosomal recessive inheritance. Affected: yes.

NM_001374385.1(ATP8B1):c.699-52C>T

Gene: ATP8B1 (ATPase phospholipid transporting 8B1; minus strand). Cytogenetic location: 18q21.31.
Variant type: single nucleotide variant.
Coding change: c.699-52C>T on transcript NM_001374385.1 (MANE Select); 52 bases into the intron before coding-DNA position 699, C replaced by T.
Molecular consequence: intron variant.
Genome position (GRCh38, 1-based): chr18:57,695,584, G>A on the plus strand (C>T on the coding strand, the complement: ATP8B1 is on the minus strand). VCF-style: chr18-57695584-G-A. GRCh37 (hg19) VCF-style: chr18-55362816-G-A.
Other names: c.699-52C>T (NM_005603.6); c.549-52C>T (NM_001374386.1).
Identifiers: ClinVar variation 1180889 (VCV001180889.7), dbSNP rs319442, ClinGen allele CA8974746.